The following is an entry in ClinVar:

NM_001358530.2(MOCS1):c.720C>A (p.Pro240=)

Gene: MOCS1 (molybdenum cofactor synthesis 1; minus strand). Cytogenetic location: 6p21.2.
Variant type: single nucleotide variant.
Coding change: c.720C>A on transcript NM_001358530.2 (MANE Select); coding-DNA position 720, C replaced by A.
Protein change: p.Pro240=; no amino-acid change (proline 240 retained).
Molecular consequence: synonymous variant. On other transcripts: non-coding transcript variant (1).
Genome position (GRCh38, 1-based): chr6:39,913,354, G>T on the plus strand (C>A on the coding strand, the complement: MOCS1 is on the minus strand). VCF-style: chr6-39913354-G-T. GRCh37 (hg19) VCF-style: chr6-39881098-G-T.
Other names: c.720C>A, p.Pro240= (NM_001075098.4, NM_001358529.2, NM_005943.6); c.459C>A, p.Pro153= (NM_001358533.2, NM_001358534.2, NM_001358531.2); c.720C>A (NM_005943.5).
Identifiers: ClinVar variation 2918631 (VCV002918631.5), dbSNP rs548975858, ClinGen allele CA3796172.
Genomic context (GRCh38, chr6:39,913,354, plus strand): 5'-TCAACCCATCCCTGGTCACTGACCATCAAAGGGCATATACTCTATGAAGCGCACATCCAG[G>T]GGGAGGCCCTCAGTCAAGGCCGCAAAGTCCAGGAGTTCATCCTCGTTAAGGCCTCGCATC-3'
Protein context (NP_001345459.1, residues 230-250): LDFAALTEGL[Pro240=]LDVRFIEYMP

ClinVar aggregate classification (germline): Likely benign. Review status: criteria provided, single submitter (1 of 4 stars). 2 submissions from 2 submitters: Likely benign (1). 1 of the submissions does not count toward it. Last evaluated 2025-04-29.

Conditions:
MOCS1-related disorder. Also called: MOCS1-related condition.
Sulfite oxidase deficiency due to molybdenum cofactor deficiency type A. Also called: Molybdenum cofactor deficiency, complementation group A; Molybdenum Cofactor Deficiency A. Identifiers: Orphanet 308386, Orphanet 833, MedGen C1854988, MONDO:0009643, OMIM 252150.

gnomAD v4.1: 33 of 1,614,204 alleles (0.002%); highest among the groups gnomAD compares: South Asian, 0.027%; no homozygotes.

Submissions (2):

Labcorp Genetics (formerly Invitae), Labcorp
Classification: Likely benign for Sulfite oxidase deficiency due to molybdenum cofactor deficiency type A. Last evaluated: 2025-04-29. Review status: criteria provided, single submitter. Criteria: Invitae Variant Classification Sherloc (09022015). Collection method: clinical testing. Allele origin: germline.

PreventionGenetics, part of Exact Sciences
Classification: Likely benign for MOCS1-related condition. Last evaluated: 2019-04-08. Review status: no assertion criteria provided. Collection method: clinical testing. Allele origin: germline. Not counted in ClinVar's aggregate classification.
Comment: This variant is classified as likely benign based on ACMG/AMP sequence variant interpretation guidelines (Richards et al. 2015 PMID: 25741868, with internal and published modifications).